The following is an entry in ClinVar:

ClinVar aggregate classification (germline): Uncertain significance (1 of 4 stars; one submission).

Allele frequency attached by ClinVar (database versions not stated): TOPMed below 0.00001; gnomAD 0.00001.
gnomAD v4.1: 3 of 1,504,572 alleles (0.0002%); highest among the groups gnomAD compares: Admixed American, 0.0044%; no homozygotes.

Submission:

Labcorp Genetics (formerly Invitae), Labcorp
Classification: Uncertain significance. Last evaluated: 2022-01-27. Review status: criteria provided, single submitter. Criteria: Invitae Variant Classification Sherloc (09022015). Collection method: clinical testing. Allele origin: germline.
Comment: This sequence change replaces glycine, which is neutral and non-polar, with tryptophan, which is neutral and slightly polar, at codon 71 of the SLC9A3 protein (p.Gly71Trp). This variant also falls at the last nucleotide of exon 1, which is part of the consensus splice site for this exon. This variant is not present in population databases (gnomAD no frequency). This variant has not been reported in the literature in individuals affected with SLC9A3-related conditions. Algorithms developed to predict the effect of missense changes on protein structure and function are either unavailable or do not agree on the potential impact of this missense change (SIFT: "Not Available"; PolyPhen-2: "Possibly Damaging"; Align-GVGD: "Not Available"). Variants that disrupt the consensus splice site are a relatively common cause of aberrant splicing (PMID: 17576681, 9536098). Experimental studies and prediction algorithms are not available or were not evaluated, and the effect of this variant on mRNA splicing is currently unknown. In summary, the available evidence is currently insufficient to determine the role of this variant in disease. Therefore, it has been classified as a Variant of Uncertain Significance.

Literature cited by the submitters: PubMed 17576681; PubMed 9536098.

NM_004174.4(SLC9A3):c.211G>T (p.Gly71Trp)

Gene: SLC9A3 (solute carrier family 9 member A3). Cytogenetic location: 5p15.33.
Variant type: single nucleotide variant.
Coding change: c.211G>T on transcript NM_004174.4 (MANE Select); coding-DNA position 211, G replaced by T.
Protein change: p.Gly71Trp; replaces glycine 71 with tryptophan.
Molecular consequence: missense variant.
Genome position (GRCh38, 1-based): chr5:524,112, C>A on the plus strand (G>T on the coding strand, the complement: SLC9A3 is on the minus strand). VCF-style: chr5-524112-C-A. GRCh37 (hg19) VCF-style: chr5-524227-C-A.
Other names: c.211G>T, p.Gly71Trp (NM_001284351.3); short protein forms G71W.
Identifiers: ClinVar variation 1502731 (VCV001502731.5), dbSNP rs1560981289, ClinGen allele CA359017973.